The following is an entry in ClinVar:

NM_000443.4(ABCB4):c.2168G>A (p.Gly723Glu)

Gene: ABCB4 (ATP binding cassette subfamily B member 4; minus strand). Cytogenetic location: 7q21.12.
Variant type: single nucleotide variant.
Coding change: c.2168G>A on transcript NM_000443.4 (MANE Select); coding-DNA position 2168, G replaced by A.
Protein change: p.Gly723Glu; replaces glycine 723 with glutamic acid.
Molecular consequence: missense variant.
Genome position (GRCh38, 1-based): chr7:87,423,949, C>T on the plus strand (G>A on the coding strand, the complement: ABCB4 is on the minus strand). VCF-style: chr7-87423949-C-T. GRCh37 (hg19) VCF-style: chr7-87053265-C-T.
Other names: c.2168G>A, p.Gly723Glu (NM_018849.3, NM_018850.3); short protein forms G723E.
Identifiers: ClinVar variation 4846478 (VCV004846478.1).

ClinVar aggregate classification (germline): Uncertain significance (1 of 4 stars; one submission).

Conditions:
Familial intrahepatic cholestasis. Identifiers: Orphanet 284385, MedGen CN296401, MONDO:0017290.

gnomAD v4.1: 2 of 1,614,028 alleles (0.00012%); highest among the groups gnomAD compares: Non-Finnish European, 0.00017%; no homozygotes.

Submission:

Genomenon, Inc
Classification: Uncertain significance for Familial intrahepatic cholestasis. Last evaluated: 2026-04-14. Review status: criteria provided, single submitter. Criteria: Genomenon Sequence Variant Interpretation Standards - Updated. Collection method: curation. Allele origin: germline. Affected: yes.
Comment: ABCB4 p.Gly723Glu (c.2168G>A) is a missense variant that changes the amino acid at residue 723 from Glycine to Glutamic acid. This variant has been observed in at least one proband with an ABCB4-related disorder (PMID:21119540;17726488). It is absent or not present at a significant frequency in gnomAD. In conclusion, we classify ABCB4 p.Gly723Glu (c.2168G>A) as a variant of uncertain significance.

Literature cited by the submitters: PubMed 21119540; PubMed 17726488.